The following is an entry in ClinVar:

ClinVar aggregate classification (germline): Conflicting classifications of pathogenicity. Review status: criteria provided, conflicting classifications (1 of 4 stars). 7 submissions from 7 submitters: Uncertain significance (6); Benign (1). Last evaluated 2025-09-09.

Conditions:
Hereditary cancer-predisposing syndrome. Also called: Tumor predisposition; Hereditary Cancer Syndrome; Hereditary neoplastic syndrome; Neoplastic Syndromes, Hereditary. Identifiers: Orphanet 140162, MedGen C0027672, MeSH D009386, MONDO:0015356.
Familial adenomatous polyposis 2. Also called: COLORECTAL ADENOMATOUS POLYPOSIS, AUTOSOMAL RECESSIVE; MUTYH Polyposis; MUTYH-associated polyposis; MUTYH-related attenuated familial adenomatous polyposis; Adenomas, multiple colorectal; ADENOMAS, MULTIPLE COLORECTAL, AUTOSOMAL RECESSIVE. Identifiers: Orphanet 220460, Orphanet 247798, MedGen C3272841, MONDO:0012041, OMIM 608456.

Allele frequency attached by ClinVar (database versions not stated): TOPMed below 0.00001; ExAC 0.00001; gnomAD 0.00001; gnomAD exomes 0.00001.
gnomAD v4.1: 9 of 1,613,764 alleles (0.00056%); highest among the groups gnomAD compares: Non-Finnish European, 0.00076%; no homozygotes.

Submissions (7):

Ambry Genetics
Classification: Benign for Hereditary cancer-predisposing syndrome. Last evaluated: 2025-09-09. Review status: criteria provided, single submitter. Criteria: Ambry Variant Classification Scheme 2023. Collection method: clinical testing. Allele origin: germline.

Labcorp Genetics (formerly Invitae), Labcorp
Classification: Uncertain significance for Familial adenomatous polyposis 2. Last evaluated: 2024-05-22. Review status: criteria provided, single submitter. Criteria: Invitae Variant Classification Sherloc (09022015). Collection method: clinical testing. Allele origin: germline.
Comment: This sequence change replaces glutamine, which is neutral and polar, with arginine, which is basic and polar, at codon 71 of the MUTYH protein (p.Gln71Arg). This variant is present in population databases (rs767237971, gnomAD 0.0009%). This variant has not been reported in the literature in individuals affected with MUTYH-related conditions. ClinVar contains an entry for this variant (Variation ID: 420944). Algorithms developed to predict the effect of missense changes on protein structure and function output the following: SIFT: "Not Available"; PolyPhen-2: "Benign"; Align-GVGD: "Not Available". The arginine amino acid residue is found in multiple mammalian species, which suggests that this missense change does not adversely affect protein function. In summary, the available evidence is currently insufficient to determine the role of this variant in disease. Therefore, it has been classified as a Variant of Uncertain Significance.

Baylor Genetics
Classification: Uncertain significance for Familial adenomatous polyposis 2. Last evaluated: 2024-02-19. Review status: criteria provided, single submitter. Criteria: ACMG Guidelines, 2015. Collection method: clinical testing. Allele origin: unknown.

All of Us Research Program, National Institutes of Health
Classification: Uncertain significance for Familial adenomatous polyposis 2. Last evaluated: 2023-05-04. Review status: criteria provided, single submitter. Criteria: ACMG Guidelines, 2015. Collection method: clinical testing. Allele origin: germline. Inheritance: Autosomal recessive inheritance. Observed: 1 variant allele, 1 heterozygote.
Comment: This study involves interpretation of variants in research participants for the purpose of population health screening. Participant phenotype was not available at the time of variant classification. Additional details can be found in publication PMID: 35346344, PMCID: PMC8962531

Color Diagnostics, LLC DBA Color Health
Classification: Uncertain significance for Hereditary cancer-predisposing syndrome. Last evaluated: 2019-02-07. Review status: criteria provided, single submitter. Criteria: ACMG Guidelines, 2015. Collection method: clinical testing. Allele origin: germline.

Illumina Laboratory Services, Illumina
Classification: Uncertain significance for Familial adenomatous polyposis 2. Last evaluated: 2017-04-27. Review status: criteria provided, single submitter. Criteria: ICSL Variant Classification Criteria 13 December 2019. Collection method: clinical testing. Allele origin: germline.

GeneDx
Classification: Uncertain significance. Last evaluated: 2016-04-19. Review status: criteria provided, single submitter. Criteria: GeneDx Variant Classification (06012015). Collection method: clinical testing. Allele origin: germline. Affected: yes.
Comment: This variant is denoted MUTYH c.212A>G at the cDNA level, p.Gln71Arg (Q71R) at the protein level, and results in the change of a Glutamine to an Arginine (CAG>CGG). This variant has not, to our knowledge, been published in the literature as pathogenic or benign. MUTYH Gln71Arg was not observed in approximately 6,500 individuals of European and African American ancestry in the NHLBI Exome Sequencing Project, suggesting it is not a common benign variant in these populations. Since Glutamine and Arginine differ in some properties, this is considered a semi-conservative amino acid substitution. MUTYH Gln71Arg occurs at a position that is not conserved and is not located in a known functional domain (Ruggieri 2013). In silico analyses predict that this variant is unlikely to alter protein structure or function. Based on currently available evidence, it is unclear whether MUTYH Gln71Arg is a pathogenic or benign variant. We consider it to be a variant of uncertain significance. Of note, MUTYH-Associated Polyposis (MAP) is a recessive condition associated with two pathogenic variants on opposite chromosomes in MUTYH.

Literature cited by the submitters: PubMed 40738107 (cited by Ambry Genetics).

NM_001048174.2(MUTYH):c.128A>G (p.Gln43Arg)

Gene: MUTYH (mutY DNA glycosylase; minus strand). Cytogenetic location: 1p34.1.
Variant type: single nucleotide variant.
Coding change: c.128A>G on transcript NM_001048174.2 (MANE Select); coding-DNA position 128, A replaced by G.
Protein change: p.Gln43Arg; replaces glutamine 43 with arginine.
Molecular consequence: missense variant. On other transcripts: 5 prime UTR variant (1), non-coding transcript variant (2), intron variant (3).
Genome position (GRCh38, 1-based): chr1:45,333,549, T>C on the plus strand (A>G on the coding strand, the complement: MUTYH is on the minus strand). VCF-style: chr1-45333549-T-C. GRCh37 (hg19) VCF-style: chr1-45799221-T-C.
Other names: c.128A>G, p.Gln43Arg (NM_001048171.2, NM_001048173.2, NM_001293195.2); c.131A>G, p.Gln44Arg (NM_001048172.2); c.212A>G, p.Gln71Arg (NM_001128425.2); c.173A>G, p.Gln58Arg (NM_001293190.2); c.161A>G, p.Gln54Arg (NM_001293191.2); c.-144A>G (NM_001350650.2); c.203A>G, p.Gln68Arg (NM_012222.3); c.-92-52A>G (NM_001350651.2); and 1 more; short protein forms Q71R, Q43R, Q68R, Q44R, Q54R, Q57R, Q58R.
Identifiers: ClinVar variation 420944 (VCV000420944.23), dbSNP rs767237971, ClinGen allele CA056259.